The following is an entry in ClinVar:

NM_001197104.2(KMT2A):c.1324C>G (p.Arg442Gly)

Gene: KMT2A (lysine methyltransferase 2A; plus strand). Cytogenetic location: 11q23.3.
Variant type: single nucleotide variant.
Coding change: c.1324C>G on transcript NM_001197104.2 (MANE Select); coding-DNA position 1324, C replaced by G.
Protein change: p.Arg442Gly; replaces arginine 442 with glycine.
Molecular consequence: missense variant.
Genome position (GRCh38, 1-based): chr11:118,472,483, C>G. VCF-style: chr11-118472483-C-G. GRCh37 (hg19) VCF-style: chr11-118343198-C-G.
Other names: c.1423C>G, p.Arg475Gly (NM_001412597.1); c.1324C>G, p.Arg442Gly (NM_005933.4); short protein forms R442G, R475G.
Identifiers: ClinVar variation 2642418 (VCV002642418.24), dbSNP rs2134261287, ClinGen allele CA382809864.

ClinVar aggregate classification (germline): Uncertain significance (1 of 4 stars; one submission).

Submission:

CeGaT Center for Human Genetics Tuebingen
Classification: Uncertain significance. Last evaluated: 2022-06-01. Review status: criteria provided, single submitter. Criteria: CeGaT Center For Human Genetics Tuebingen Variant Classification Criteria Version 2. Collection method: clinical testing. Allele origin: germline. Affected: yes. Observed: 1 variant allele.
Comment: KMT2A: PM2